The following is an entry in ClinVar:

ClinVar aggregate classification (germline): Likely benign. Review status: criteria provided, multiple submitters, no conflicts (2 of 4 stars). 4 submissions from 4 submitters: Likely benign (4). Last evaluated 2024-12-21.

Conditions:
TUBGCP6-related disorder. Also called: TUBGCP6-related condition.

Allele frequency attached by ClinVar (database versions not stated): gnomAD 0.00003 and 0.00007; gnomAD exomes 0.00004; 1000 Genomes Project 30x 0.00094; 1000 Genomes Project 0.00100.
gnomAD v4.1: 75 of 1,566,492 alleles (0.0048%); highest among the groups gnomAD compares: South Asian, 0.051%; 1 homozygote.

Submissions (4):

PreventionGenetics, part of Exact Sciences
Classification: Likely benign for TUBGCP6-related condition. Last evaluated: 2024-12-21. Review status: criteria provided, single submitter. Criteria: ACMG Guidelines, 2015. Collection method: clinical testing. Allele origin: germline.
Comment: This variant is classified as likely benign based on ACMG/AMP sequence variant interpretation guidelines (Richards et al. 2015 PMID: 25741868, with internal and published modifications).

Labcorp Genetics (formerly Invitae), Labcorp
Classification: Likely benign. Last evaluated: 2024-12-17. Review status: criteria provided, single submitter. Criteria: Invitae Variant Classification Sherloc (09022015). Collection method: clinical testing. Allele origin: germline.

Blueprint Genetics
Classification: Likely benign. Last evaluated: 2024-08-14. Review status: criteria provided, single submitter. Criteria: ACMG Guidelines, 2015. Collection method: clinical testing. Allele origin: germline.

Women's Health and Genetics/Laboratory Corporation of America, LabCorp
Classification: Likely benign. Last evaluated: 2024-08-14. Review status: criteria provided, single submitter. Criteria: LabCorp Variant Classification Summary - May 2015. Collection method: clinical testing. Allele origin: germline.

NM_020461.4(TUBGCP6):c.3351C>T (p.Val1117=)

Gene: TUBGCP6 (tubulin gamma complex component 6; minus strand). Cytogenetic location: 22q13.33.
Variant type: single nucleotide variant.
Coding change: c.3351C>T on transcript NM_020461.4 (MANE Select); coding-DNA position 3351, C replaced by T.
Protein change: p.Val1117=; no amino-acid change (valine 1117 retained).
Molecular consequence: synonymous variant.
Genome position (GRCh38, 1-based): chr22:50,221,008, G>A on the plus strand (C>T on the coding strand, the complement: TUBGCP6 is on the minus strand). VCF-style: chr22-50221008-G-A. GRCh37 (hg19) VCF-style: chr22-50659437-G-A.
Other names: c.3351C>T (NM_020461.3).
Identifiers: ClinVar variation 1110681 (VCV001110681.12), dbSNP rs200165318, ClinGen allele CA10307971.